The following is an entry in ClinVar:

ClinVar aggregate classification (germline): Uncertain significance. Review status: criteria provided, multiple submitters, no conflicts (2 of 4 stars). 2 submissions from 2 submitters: Uncertain significance (2). Last evaluated 2025-10-05.

Conditions:
POLD1-related polyposis and colorectal cancer syndrome (CRCS10). Also called: COLORECTAL CANCER, SUSCEPTIBILITY TO, ON CHROMOSOME 19q; Colorectal cancer 10; Colorectal cancer, susceptibility to, 10. Identifiers: Orphanet 220460, MedGen C2675481, MONDO:0012953, OMIM 612591.
Hereditary cancer-predisposing syndrome. Also called: Neoplastic Syndromes, Hereditary; Tumor predisposition; Hereditary neoplastic syndrome; Hereditary Cancer Syndrome. Identifiers: Orphanet 140162, MedGen C0027672, MeSH D009386, MONDO:0015356.

Submissions (2):

Labcorp Genetics (formerly Invitae), Labcorp
Classification: Uncertain significance for POLD1-related polyposis and colorectal cancer syndrome. Last evaluated: 2025-10-05. Review status: criteria provided, single submitter. Criteria: Invitae Variant Classification Sherloc (09022015). Collection method: clinical testing. Allele origin: germline.
Comment: This sequence change replaces serine, which is neutral and polar, with proline, which is neutral and non-polar, at codon 429 of the POLD1 protein (p.Ser429Pro). This variant is not present in population databases (gnomAD no frequency). This variant has not been reported in the literature in individuals affected with POLD1-related conditions. ClinVar contains an entry for this variant (Variation ID: 1768959). Invitae Evidence Modeling of protein sequence and biophysical properties (such as structural, functional, and spatial information, amino acid conservation, physicochemical variation, residue mobility, and thermodynamic stability) has been performed for this missense variant. However, the output from this modeling did not meet the statistical confidence thresholds required to predict the impact of this variant on POLD1 protein function. In summary, the available evidence is currently insufficient to determine the role of this variant in disease. Therefore, it has been classified as a Variant of Uncertain Significance.

Ambry Genetics
Classification: Uncertain significance for Hereditary cancer-predisposing syndrome. Last evaluated: 2021-03-28. Review status: criteria provided, single submitter. Criteria: Ambry Variant Classification Scheme 2023. Collection method: clinical testing. Allele origin: germline.
Comment: The p.S429P variant (also known as c.1285T>C), located in coding exon 10 of the POLD1 gene, results from a T to C substitution at nucleotide position 1285. The serine at codon 429 is replaced by proline, an amino acid with similar properties. This amino acid position is highly conserved in available vertebrate species. In addition, the in silico prediction for this alteration is inconclusive. Since supporting evidence is limited at this time, the clinical significance of this alteration remains unclear.

NM_002691.4(POLD1):c.1285T>C (p.Ser429Pro)

Gene: POLD1 (DNA polymerase delta 1, catalytic subunit; plus strand). Cytogenetic location: 19q13.33.
Variant type: single nucleotide variant.
Coding change: c.1285T>C on transcript NM_002691.4 (MANE Select); coding-DNA position 1285, T replaced by C.
Protein change: p.Ser429Pro; replaces serine 429 with proline.
Molecular consequence: missense variant. On other transcripts: non-coding transcript variant (1).
Genome position (GRCh38, 1-based): chr19:50,406,224, T>C. VCF-style: chr19-50406224-T-C. GRCh37 (hg19) VCF-style: chr19-50909481-T-C.
Other names: c.1285T>C, p.Ser429Pro (NM_001256849.1, NM_001308632.1); short protein forms S429P.
Identifiers: ClinVar variation 1768959 (VCV001768959.3), dbSNP rs2513991308, ClinGen allele CA406979796.
Genomic context (GRCh38, chr19:50,406,224, plus strand): 5'-CCTGCCTCTCCTCCTCAGGTACAAACATTCCCTTTCCTGGGCCGTGTGGCCGGCCTTTGC[T>C]CCAACATCCGGGACTCTTCATTCCAGTCCAAGCAGACGGGCCGGCGGGACACCAAGGTTG-3'
Protein context (NP_002682.2, residues 419-439): PFLGRVAGLC[Ser429Pro]NIRDSSFQSK